The following is an entry in ClinVar:

ClinVar aggregate classification (germline): Uncertain significance. Review status: criteria provided, multiple submitters, no conflicts (2 of 4 stars). 2 submissions from 2 submitters: Uncertain significance (2). Last evaluated 2025-05-05.

Conditions:
Hereditary cancer-predisposing syndrome. Also called: Tumor predisposition; Hereditary Cancer Syndrome; Hereditary neoplastic syndrome; Neoplastic Syndromes, Hereditary. Identifiers: Orphanet 140162, MedGen C0027672, MeSH D009386, MONDO:0015356.
Gastrointestinal stromal tumor. Also called: Gastrointestinal stroma tumor; Gastrointestinal stromal tumor, somatic. Identifiers: Orphanet 44890, MedGen C0238198, MeSH D046152, MONDO:0011719, OMIM 606764, HP:0100723.

Submissions (2):

Labcorp Genetics (formerly Invitae), Labcorp
Classification: Uncertain significance for Gastrointestinal stromal tumor. Last evaluated: 2025-05-05. Review status: criteria provided, single submitter. Criteria: Invitae Variant Classification Sherloc (09022015). Collection method: clinical testing. Allele origin: germline.
Comment: This sequence change falls in intron 10 of the KIT gene. It does not directly change the encoded amino acid sequence of the KIT protein. It affects a nucleotide within the consensus splice site. This variant is not present in population databases (gnomAD no frequency). This variant has not been reported in the literature in individuals affected with KIT-related conditions. ClinVar contains an entry for this variant (Variation ID: 2032787). Variants that disrupt the consensus splice site are a relatively common cause of aberrant splicing (PMID: 17576681, 9536098). Algorithms developed to predict the effect of sequence changes on RNA splicing suggest that this variant is not likely to affect RNA splicing. In summary, the available evidence is currently insufficient to determine the role of this variant in disease. Therefore, it has been classified as a Variant of Uncertain Significance.

Ambry Genetics
Classification: Uncertain significance for Hereditary cancer-predisposing syndrome. Last evaluated: 2025-02-06. Review status: criteria provided, single submitter. Criteria: Ambry Variant Classification Scheme 2023. Collection method: clinical testing. Allele origin: germline.
Comment: The c.1647+5C>G intronic variant results from a C to G substitution 5 nucleotides after coding exon 10 in the KIT gene. This nucleotide position is not well conserved in available vertebrate species. In silico splice site analysis predicts that this alteration will not have any significant effect on splicing. Based on the available evidence, the clinical significance of this variant remains unclear.

Literature cited by the submitters: PubMed 17576681 (cited by Labcorp Genetics (formerly Invitae), Labcorp); PubMed 9536098 (cited by Labcorp Genetics (formerly Invitae), Labcorp).

NM_000222.3(KIT):c.1647+5C>G

Gene: KIT (KIT proto-oncogene, receptor tyrosine kinase; plus strand). Cytogenetic location: 4q12.
Variant type: single nucleotide variant.
Coding change: c.1647+5C>G on transcript NM_000222.3 (MANE Select); 5 bases into the intron after coding-DNA position 1647, C replaced by G.
Molecular consequence: intron variant.
Genome position (GRCh38, 1-based): chr4:54,727,329, C>G. VCF-style: chr4-54727329-C-G. GRCh37 (hg19) VCF-style: chr4-55593495-C-G.
Other names: c.1647+5C>G (NM_000222.2, NM_001385285.1); c.1650+5C>G (NM_001385284.1, NM_001385290.1); c.1638+5C>G (NM_001385288.1, NM_001385292.1); c.1635+5C>G (NM_001093772.2, NM_001385286.1).
Identifiers: ClinVar variation 2032787 (VCV002032787.5), dbSNP rs553336667, ClinGen allele CA2580071142.